The following is an entry in ClinVar:

ClinVar aggregate classification (germline): Uncertain significance. Review status: criteria provided, multiple submitters, no conflicts (2 of 4 stars). 2 submissions from 2 submitters: Uncertain significance (2). Last evaluated 2026-02-28.

Conditions:
AIRE-related disorder. Also called: AIRE-related condition.
Polyglandular autoimmune syndrome, type 1 (APS1). Also called: AUTOIMMUNE POLYENDOCRINE SYNDROME, TYPE I, WITH OR WITHOUT REVERSIBLE METAPHYSEAL DYSPLASIA; APS I; HYPOADRENOCORTICISM WITH HYPOPARATHYROIDISM AND SUPERFICIAL MONILIASIS; Autoimmune polyendocrine syndrome type 1; Whitaker syndrome; PGA I. Identifiers: Orphanet 3453, MedGen C0085859, MONDO:0009411, OMIM 240300.

Allele frequency attached by ClinVar (database versions not stated): gnomAD 0.00001; TOPMed 0.00001; ExAC 0.00003; gnomAD exomes 0.00003 and 0.00004; 1000 Genomes Project 30x 0.00016; 1000 Genomes Project 0.00020.
gnomAD v4.1: 57 of 1,596,540 alleles (0.0036%); highest among the groups gnomAD compares: South Asian, 0.0055%; no homozygotes.

Submissions (2):

PreventionGenetics, part of Exact Sciences
Classification: Uncertain significance for AIRE-related condition. Last evaluated: 2026-02-28. Review status: criteria provided, single submitter. Criteria: ACMG Guidelines, 2015. Collection method: clinical testing. Allele origin: germline.
Comment: The AIRE c.1295C>T variant is predicted to result in the amino acid substitution p.Ala432Val. To our knowledge, this variant has not been reported in the literature. This variant is reported in 0.0063% of alleles in individuals of European (Non-Finnish) descent in gnomAD. At this time, the clinical significance of this variant is uncertain due to the absence of conclusive functional and genetic evidence.

Labcorp Genetics (formerly Invitae), Labcorp
Classification: Uncertain significance for Polyglandular autoimmune syndrome, type 1. Last evaluated: 2024-12-17. Review status: criteria provided, single submitter. Criteria: Invitae Variant Classification Sherloc (09022015). Collection method: clinical testing. Allele origin: germline.
Comment: This sequence change replaces alanine, which is neutral and non-polar, with valine, which is neutral and non-polar, at codon 432 of the AIRE protein (p.Ala432Val). This variant is present in population databases (rs531220961, gnomAD 0.007%). This variant has not been reported in the literature in individuals affected with AIRE-related conditions. ClinVar contains an entry for this variant (Variation ID: 1421295). Invitae Evidence Modeling of protein sequence and biophysical properties (such as structural, functional, and spatial information, amino acid conservation, physicochemical variation, residue mobility, and thermodynamic stability) indicates that this missense variant is not expected to disrupt AIRE protein function with a negative predictive value of 95%. In summary, the available evidence is currently insufficient to determine the role of this variant in disease. Therefore, it has been classified as a Variant of Uncertain Significance.

NM_000383.4(AIRE):c.1295C>T (p.Ala432Val)

Gene: AIRE (autoimmune regulator; plus strand). Cytogenetic location: 21q22.3.
Variant type: single nucleotide variant.
Coding change: c.1295C>T on transcript NM_000383.4 (MANE Select); coding-DNA position 1295, C replaced by T.
Protein change: p.Ala432Val; replaces alanine 432 with valine.
Molecular consequence: missense variant.
Genome position (GRCh38, 1-based): chr21:44,293,805, C>T. VCF-style: chr21-44293805-C-T. GRCh37 (hg19) VCF-style: chr21-45713688-C-T.
Other names: c.1295C>T (NM_000383.3); short protein forms A432V.
Identifiers: ClinVar variation 1421295 (VCV001421295.5), dbSNP rs531220961, ClinGen allele CA10052045.